The following is an entry in ClinVar:

ClinVar aggregate classification (germline): Benign. Review status: criteria provided, multiple submitters, no conflicts (2 of 4 stars). 2 submissions from 2 submitters: Benign (2). Last evaluated 2018-01-12.

Conditions:
Isovaleryl-CoA dehydrogenase deficiency (IVA). Also called: ISOVALERIC ACID CoA DEHYDROGENASE DEFICIENCY; IVD DEFICIENCY; Isovaleric acidemia; Classic Isovaleric Acidemia. Identifiers: Orphanet 33, MedGen C0268575, MONDO:0009475, OMIM 243500.

Allele frequency attached by ClinVar (database versions not stated): TOPMed 0.55454; gnomAD 0.56828 and 0.57942; 1000 Genomes Project 30x 0.57277; 1000 Genomes Project 0.58686; gnomAD exomes 0.63616.
gnomAD v4.1: 89,830 of 154,564 alleles (58%); highest among the groups gnomAD compares: East Asian, 80%; 28,421 homozygotes.

Submissions (2):

Illumina Laboratory Services, Illumina
Classification: Benign for Isovaleryl-CoA dehydrogenase deficiency. Last evaluated: 2018-01-12. Review status: criteria provided, single submitter. Criteria: ICSL Variant Classification Criteria 13 December 2019. Collection method: clinical testing. Allele origin: germline.
Comment: This variant was observed in the ICSL laboratory as part of a predisposition screen in an ostensibly healthy population. It had not been previously curated by ICSL or reported in the Human Gene Mutation Database (HGMD: prior to June 1st, 2018), and was therefore a candidate for classification through an automated scoring system. Utilizing variant allele frequency, disease prevalence and penetrance estimates, and inheritance mode, an automated score was calculated to assess if this variant is too frequent to cause the disease. Based on the score and internal cut-off values, a variant classified as benign is not then subjected to further curation. The score for this variant resulted in a classification of benign for this disease.

Breakthrough Genomics
Classification: Benign. Review status: criteria provided, single submitter. Criteria: ACMG Guidelines, 2015. Collection method: not provided. Allele origin: germline. Inheritance: Autosomal recessive inheritance. Affected: yes.

NM_002225.5(IVD):c.*1471G>A

Gene: IVD (isovaleryl-CoA dehydrogenase; plus strand). Cytogenetic location: 15q15.1.
Variant type: single nucleotide variant.
Coding change: c.*1471G>A on transcript NM_002225.5 (MANE Select); 1471 bases downstream of the stop codon, G replaced by A.
Molecular consequence: 3 prime UTR variant. On other transcripts: intron variant (3).
Genome position (GRCh38, 1-based): chr15:40,419,734, G>A. VCF-style: chr15-40419734-G-A. GRCh37 (hg19) VCF-style: chr15-40711933-G-A.
Other names: c.*1471G>A (NM_001159508.3, NM_001354597.3, NM_001354599.3); c.1225+3372G>A (NM_001354600.3); c.1138+3372G>A (NM_001354598.3, NM_001354601.3).
Identifiers: ClinVar variation 315820 (VCV000315820.6), dbSNP rs4923865, ClinGen allele CA10641731.